The following is an entry in ClinVar:

ClinVar aggregate classification (germline): Uncertain significance (1 of 4 stars; one submission).

Submission:

Labcorp Genetics (formerly Invitae), Labcorp
Classification: Uncertain significance. Last evaluated: 2022-09-01. Review status: criteria provided, single submitter. Criteria: Invitae Variant Classification Sherloc (09022015). Collection method: clinical testing. Allele origin: germline.
Comment: In summary, the available evidence is currently insufficient to determine the role of this variant in disease. Therefore, it has been classified as a Variant of Uncertain Significance. Algorithms developed to predict the effect of missense changes on protein structure and function are either unavailable or do not agree on the potential impact of this missense change (SIFT: "Deleterious"; PolyPhen-2: "Not Available"; Align-GVGD: "Class C0"). ClinVar contains an entry for this variant (Variation ID: 1384818). This variant has not been reported in the literature in individuals affected with SON-related conditions. This variant is not present in population databases (gnomAD no frequency). This sequence change replaces arginine, which is basic and polar, with glycine, which is neutral and non-polar, at codon 1923 of the SON protein (p.Arg1923Gly).

NM_138927.4(SON):c.5767C>G (p.Arg1923Gly)

Gene: SON (SON DNA and RNA binding protein; plus strand). Cytogenetic location: 21q22.11.
Variant type: single nucleotide variant.
Coding change: c.5767C>G on transcript NM_138927.4 (MANE Select); coding-DNA position 5767, C replaced by G.
Protein change: p.Arg1923Gly; replaces arginine 1923 with glycine.
Molecular consequence: missense variant. On other transcripts: non-coding transcript variant (1), intron variant (1).
Genome position (GRCh38, 1-based): chr21:33,554,998, C>G. VCF-style: chr21-33554998-C-G. GRCh37 (hg19) VCF-style: chr21-34927304-C-G.
Other names: c.5767C>G, p.Arg1923Gly (NM_001291411.2, NM_032195.3); c.245-2158C>G (NM_001291412.3); short protein forms R1923G.
Identifiers: ClinVar variation 1384818 (VCV001384818.6), dbSNP rs1033229812, ClinGen allele CA410165504.